The following is an entry in ClinVar:

NM_007294.4(BRCA1):c.5333-13A>T

Gene: BRCA1 (BRCA1 DNA repair associated; minus strand). Cytogenetic location: 17q21.31.
Variant type: single nucleotide variant.
Coding change: c.5333-13A>T on transcript NM_007294.4 (MANE Select); 13 bases into the intron before coding-DNA position 5333, A replaced by T.
Molecular consequence: intron variant.
Genome position (GRCh38, 1-based): chr17:43,049,207, T>A on the plus strand (A>T on the coding strand, the complement: BRCA1 is on the minus strand). VCF-style: chr17-43049207-T-A. GRCh37 (hg19) VCF-style: chr17-41201224-T-A.
Other names: c.1880-13A>T (NM_001408458.1, NM_001408461.1, NM_001408464.1 and 7 more transcripts); c.4442-13A>T (NM_001407967.1); c.4952-13A>T (NM_001407959.1); c.5066-13A>T (NM_001407931.1, NM_001407932.1, NM_001407928.1 and 4 more transcripts); c.5189-13A>T (NM_001407747.1, NM_001407745.1, NM_001407737.1 and 18 more transcripts); c.4949-13A>T (NM_001407962.1, NM_001407960.1); c.1520-13A>T (NM_001408512.1); c.1643-13A>T (NM_001408510.1); and 84 more.
Identifiers: ClinVar variation 868336 (VCV000868336.3), dbSNP rs2051099941, ClinGen allele CA916080907.

Conditions:
Breast-ovarian cancer, familial, susceptibility to, 1 (BROVCA1). Also called: BRCA1 Hereditary Breast and Ovarian Cancer; OVARIAN CANCER, SUSCEPTIBILITY TO. Identifiers: Orphanet 145, MedGen C2676676, MONDO:0011450, OMIM 604370. Disease mechanism: loss of function.

Submission:

Brotman Baty Institute, University of Washington
No classification provided (evidence only). Condition: Breast-ovarian cancer, familial 1. Review status: no classification provided. Collection method: in vitro. Allele origin: not applicable. Functional consequence: functionally_normal.
ClinVar note: "not provided" was previously submitted as the classification for the variant. However, the classification appeared to be based only on an observation of functional data so it was converted to no classification on 2025-07-30.